The following is an entry in ClinVar:

NM_138773.4(SLC25A46):c.284-3T>C

Gene: SLC25A46 (solute carrier family 25 member 46; plus strand). Cytogenetic location: 5q22.1.
Variant type: single nucleotide variant.
Coding change: c.284-3T>C on transcript NM_138773.4 (MANE Select); 3 bases into the intron before coding-DNA position 284, T replaced by C.
Molecular consequence: intron variant.
Genome position (GRCh38, 1-based): chr5:110,742,044, T>C. VCF-style: chr5-110742044-T-C. GRCh37 (hg19) VCF-style: chr5-110077745-T-C.
Other names: c.11-3T>C (NM_001303250.3); c.284-3T>C (NM_001303249.3).
Identifiers: ClinVar variation 646857 (VCV000646857.7), dbSNP rs770457308, ClinGen allele CA801875112.

ClinVar aggregate classification (germline): Uncertain significance (1 of 4 stars; one submission).

Conditions:
Neuropathy, hereditary motor and sensory, type 6B (HMSN6B). Also called: HMSN VIB; CHARCOT-MARIE-TOOTH DISEASE, TYPE 6B; Neuropathy, hereditary motor and sensory, type VIB; NEUROPATHY, HEREDITARY MOTOR AND SENSORY, TYPE VIB, WITH OPTIC ATROPHY. Identifiers: MedGen C4225302, MONDO:0014671, OMIM 616505.

Allele frequency attached by ClinVar (database versions not stated): gnomAD exomes 0.00001.
gnomAD v4.1: 20 of 1,565,780 alleles (0.0013%); highest among the groups gnomAD compares: Non-Finnish European, 0.0017%; no homozygotes.

Submission:

Labcorp Genetics (formerly Invitae), Labcorp
Classification: Uncertain significance for Neuropathy, hereditary motor and sensory, type 6B. Last evaluated: 2025-05-27. Review status: criteria provided, single submitter. Criteria: Invitae Variant Classification Sherloc (09022015). Collection method: clinical testing. Allele origin: germline.
Comment: This sequence change falls in intron 1 of the SLC25A46 gene. It does not directly change the encoded amino acid sequence of the SLC25A46 protein. It affects a nucleotide within the consensus splice site. This variant is not present in population databases (gnomAD no frequency). This variant has not been reported in the literature in individuals affected with SLC25A46-related conditions. ClinVar contains an entry for this variant (Variation ID: 646857). Variants that disrupt the consensus splice site are a relatively common cause of aberrant splicing (PMID: 17576681, 9536098). Algorithms developed to predict the effect of sequence changes on RNA splicing suggest that this variant is not likely to affect RNA splicing. In summary, the available evidence is currently insufficient to determine the role of this variant in disease. Therefore, it has been classified as a Variant of Uncertain Significance.

Literature cited by the submitters: PubMed 17576681; PubMed 9536098.